The following is an entry in ClinVar:

NM_012243.3(SLC35A3):c.-19+415A>G

Gene: SLC35A3 (solute carrier family 35 member A3; plus strand). Cytogenetic location: 1p21.2.
Variant type: single nucleotide variant.
Coding change: c.-19+415A>G on transcript NM_012243.3 (MANE Select); 415 bases into the intron after 19 bases upstream of the start codon, A replaced by G.
Molecular consequence: intron variant. On other transcripts: missense variant (1).
Genome position (GRCh38, 1-based): chr1:99,970,577, A>G. VCF-style: chr1-99970577-A-G. GRCh37 (hg19) VCF-style: chr1-100436133-A-G.
Other names: NC_000001.10:g.100436133A>G; c.41A>G, p.Asp14Gly (NM_001271685.2); c.-19+415A>G (NM_001271684.2); short protein forms D14G.
Identifiers: ClinVar variation 1185185 (VCV001185185.9), dbSNP rs11166383, ClinGen allele CA967490.

ClinVar aggregate classification (germline): Benign. Review status: criteria provided, multiple submitters, no conflicts (2 of 4 stars). 4 submissions from 4 submitters: Benign (3). 1 of the submissions does not count toward it. Last evaluated 2021-07-10.

Conditions:
Autism spectrum disorder - epilepsy - arthrogryposis syndrome (AMRS). Identifiers: Orphanet 370943, MedGen C3809910, MONDO:0014248, OMIM 615553.
SLC35A3-related disorder. Also called: SLC35A3-related condition.

Allele frequency attached by ClinVar (database versions not stated): 1000 Genomes Project 0.03534; 1000 Genomes Project 30x 0.03576; gnomAD exomes 0.03792; ExAC 0.03839.
gnomAD v4.1: 65,790 of 1,535,706 alleles (4.3%); highest among the groups gnomAD compares: African/African-American, 5%; 1,525 homozygotes.

Submissions (11):

Genome-Nilou Lab
Classification: Benign for Autism spectrum disorder - epilepsy - arthrogryposis syndrome. Last evaluated: 2021-07-10. Review status: criteria provided, single submitter. Criteria: ACMG Guidelines, 2015. Collection method: clinical testing. Allele origin: germline. Affected: no.

GeneDx
Classification: Benign. Last evaluated: 2018-07-27. Review status: criteria provided, single submitter. Criteria: GeneDx Variant Classification Process June 2021. Collection method: clinical testing. Allele origin: germline. Affected: yes.

Breakthrough Genomics
Classification: Benign. Review status: criteria provided, single submitter. Criteria: ACMG Guidelines, 2015. Collection method: not provided. Allele origin: germline. Inheritance: Autosomal recessive inheritance. Affected: yes.

PreventionGenetics, part of Exact Sciences
Classification: Benign for SLC35A3-related condition. Last evaluated: 2019-02-28. Review status: no assertion criteria provided. Collection method: clinical testing. Allele origin: germline. Not counted in ClinVar's aggregate classification.
Comment: This variant is classified as benign based on ACMG/AMP sequence variant interpretation guidelines (Richards et al. 2015 PMID: 25741868, with internal and published modifications).

Dr. Peter K. Rogan Lab, Western University
No classification provided (evidence only). Condition: Thymoma. Review status: no classification provided. Collection method: in vitro. Allele origin: not applicable. Functional consequence: retained intron. Not counted in ClinVar's aggregate classification.

Dr. Peter K. Rogan Lab, Western University
No classification provided (evidence only). Condition: Ovarian serous cystadenocarcinoma. Review status: no classification provided. Collection method: in vitro. Allele origin: not applicable. Functional consequence: retained intron. Not counted in ClinVar's aggregate classification.

Dr. Peter K. Rogan Lab, Western University
No classification provided (evidence only). Condition: Thymoma. Review status: no classification provided. Collection method: in vitro. Allele origin: not applicable. Functional consequence: retained intron. Not counted in ClinVar's aggregate classification.

Dr. Peter K. Rogan Lab, Western University
No classification provided (evidence only). Condition: Ovarian serous cystadenocarcinoma. Review status: no classification provided. Collection method: in vitro. Allele origin: not applicable. Functional consequence: retained intron. Not counted in ClinVar's aggregate classification.

Dr. Peter K. Rogan Lab, Western University
No classification provided (evidence only). Condition: Cholangiocarcinoma. Review status: no classification provided. Collection method: in vitro. Allele origin: not applicable. Functional consequence: retained intron. Not counted in ClinVar's aggregate classification.

Dr. Peter K. Rogan Lab, Western University
No classification provided (evidence only). Condition: Acute myeloid leukemia. Review status: no classification provided. Collection method: in vitro. Allele origin: not applicable. Functional consequence: retained intron. Not counted in ClinVar's aggregate classification.

Dr. Peter K. Rogan Lab, Western University
No classification provided (evidence only). Condition: Thymoma. Review status: no classification provided. Collection method: in vitro. Allele origin: not applicable. Functional consequence: retained intron. Not counted in ClinVar's aggregate classification.